The following is an entry in ClinVar:

NM_004260.4(RECQL4):c.2023C>T (p.His675Tyr)

Gene: RECQL4 (RecQ like helicase 4; minus strand). Cytogenetic location: 8q24.3.
Variant type: single nucleotide variant.
Coding change: c.2023C>T on transcript NM_004260.4 (MANE Select); coding-DNA position 2023, C replaced by T.
Protein change: p.His675Tyr; replaces histidine 675 with tyrosine.
Molecular consequence: missense variant.
Genome position (GRCh38, 1-based): chr8:144,513,963, G>A on the plus strand (C>T on the coding strand, the complement: RECQL4 is on the minus strand). VCF-style: chr8-144513963-G-A. GRCh37 (hg19) VCF-style: chr8-145739347-G-A.
Other names: c.2023C>T (NM_004260.3); short protein forms H675Y.
Identifiers: ClinVar variation 1009366 (VCV001009366.4), dbSNP rs1564797690, ClinGen allele CA372680290.

ClinVar aggregate classification (germline): Uncertain significance. Review status: criteria provided, multiple submitters, no conflicts (2 of 4 stars). 2 submissions from 2 submitters: Uncertain significance (2). Last evaluated 2025-05-11.

Conditions:
Inborn genetic diseases. Identifiers: MedGen C0950123, MeSH D030342.
Baller-Gerold syndrome (BGS). Also called: CRANIOSYNOSTOSIS WITH RADIAL DEFECTS. Identifiers: Orphanet 1225, MedGen C0265308, MONDO:0009039, OMIM 218600.

Allele frequency attached by ClinVar (database versions not stated): gnomAD exomes below 0.00001; TOPMed below 0.00001.
gnomAD v4.1: 1 of 1,561,902 alleles (0.000064%); highest among the groups gnomAD compares: Middle Eastern, 0.018%; no homozygotes.

Submissions (2):

Ambry Genetics
Classification: Uncertain significance for Inborn genetic diseases. Last evaluated: 2025-05-11. Review status: criteria provided, single submitter. Criteria: Ambry Variant Classification Scheme 2023. Collection method: clinical testing. Allele origin: germline.
Comment: The p.H675Y variant (also known as c.2023C>T), located in coding exon 12 of the RECQL4 gene, results from a C to T substitution at nucleotide position 2023. The histidine at codon 675 is replaced by tyrosine, an amino acid with similar properties. This amino acid position is conserved. In addition, this alteration is predicted to be tolerated by in silico analysis. Based on the available evidence, the clinical significance of this variant remains unclear.

Labcorp Genetics (formerly Invitae), Labcorp
Classification: Uncertain significance for Baller-Gerold syndrome. Last evaluated: 2024-07-23. Review status: criteria provided, single submitter. Criteria: Invitae Variant Classification Sherloc (09022015). Collection method: clinical testing. Allele origin: germline.
Comment: This sequence change replaces histidine, which is basic and polar, with tyrosine, which is neutral and polar, at codon 675 of the RECQL4 protein (p.His675Tyr). This variant is not present in population databases (gnomAD no frequency). This variant has not been reported in the literature in individuals affected with RECQL4-related conditions. ClinVar contains an entry for this variant (Variation ID: 1009366). Advanced modeling of protein sequence and biophysical properties (such as structural, functional, and spatial information, amino acid conservation, physicochemical variation, residue mobility, and thermodynamic stability) performed at Invitae indicates that this missense variant is not expected to disrupt RECQL4 protein function with a negative predictive value of 80%. In summary, the available evidence is currently insufficient to determine the role of this variant in disease. Therefore, it has been classified as a Variant of Uncertain Significance.